The following is an entry in ClinVar:

NM_001372044.2(SHANK3):c.3104del (p.Val1035fs)

Gene: SHANK3 (SH3 and multiple ankyrin repeat domains 3; plus strand). Cytogenetic location: 22q13.33.
Variant type: Deletion.
Coding change: c.3104del on transcript NM_001372044.2 (MANE Select); coding-DNA position 3104, one base deleted (T; older notation c.3104delT).
Protein change: p.Val1035fs; shifts the reading frame from valine 1035.
Molecular consequence: frameshift variant.
Genome position (GRCh38, 1-based): chr22:50,720,712, T deleted. VCF-style (leftmost placement, unchanged base first): chr22-50720711-GT-G. GRCh37 (hg19) VCF-style: chr22-51159139-GT-G.
Other names: short protein forms V1035fs.
Identifiers: ClinVar variation 3775953 (VCV003775953.1).

ClinVar aggregate classification (germline): Likely pathogenic (1 of 4 stars; one submission).

Conditions:
Phelan-McDermid syndrome. Also called: Phelan-McDermid Syndrome-SHANK3 Related; TELOMERIC 22q13 MONOSOMY SYNDROME; 22q13.3 deletion syndrome. Identifiers: Orphanet 48652, MedGen C1853490, MONDO:0011652, OMIM 606232.

Submission:

3billion
Classification: Likely pathogenic for Phelan-McDermid syndrome. Last evaluated: 2023-10-24. Review status: criteria provided, single submitter. Criteria: ACMG Guidelines, 2015. Collection method: clinical testing. Allele origin: germline. Affected: yes.
Comment: The variant is not observed in the gnomAD v2.1.1 dataset. Predicted Consequence/Location: Frameshift: predicted to result in a loss or disruption of normal protein function through nonsense-mediated decay (NMD) or protein truncation. Multiple pathogenic variants are reported downstream of the variant. Therefore, this variant is classified as Likely pathogenic according to the recommendation of ACMG/AMP guideline.